The following is an entry in ClinVar:

NM_198334.3(GANAB):c.1408C>T (p.His470Tyr)

Gene: GANAB (glucosidase II alpha subunit; minus strand). Cytogenetic location: 11q12.3.
Variant type: single nucleotide variant.
Coding change: c.1408C>T on transcript NM_198334.3 (MANE Select); coding-DNA position 1408, C replaced by T.
Protein change: p.His470Tyr; replaces histidine 470 with tyrosine.
Molecular consequence: missense variant.
Genome position (GRCh38, 1-based): chr11:62,630,484, G>A on the plus strand (C>T on the coding strand, the complement: GANAB is on the minus strand). VCF-style: chr11-62630484-G-A. GRCh37 (hg19) VCF-style: chr11-62397956-G-A.
Other names: c.1066C>T, p.His356Tyr (NM_001278193.2); c.1117C>T, p.His373Tyr (NM_001278194.2, NM_001329222.2, NM_001329223.2); c.685C>T, p.His229Tyr (NM_001329224.2, NM_001329225.2); c.1474C>T, p.His492Tyr (NM_198335.4); c.1132C>T, p.His378Tyr (NM_001278192.2); short protein forms H229Y, H356Y, H373Y, H378Y, H470Y, H492Y.
Identifiers: ClinVar variation 3773757 (VCV003773757.1).

ClinVar aggregate classification (germline): Uncertain significance (1 of 4 stars; one submission).

Conditions:
Polycystic kidney disease 3 with or without polycystic liver disease. Also called: POLYCYSTIC KIDNEY DISEASE, ADULT, TYPE III; Polycystic kidney disease 3; Polycystic Kidney and/or Polycystic Liver Disease 3. Identifiers: MedGen C3887964, MONDO:0010916, OMIM 600666.

Submission:

Molecular Genetics, Royal Melbourne Hospital
Classification: Uncertain significance for Polycystic kidney disease 3 with or without polycystic liver disease. Last evaluated: 2025-02-06. Review status: criteria provided, single submitter. Criteria: ACMG Guidelines, 2015. Collection method: clinical testing. Allele origin: germline. Inheritance: Autosomal dominant inheritance. Affected: yes.
Comment: This sequence change in GANAB is predicted to replace histidine with tyrosine at codon 470, p.(His470Tyr). The histidine residue is highly conserved (100 vertebrates, Multiz Alignments), and is located in the glycoside hydrolase family 31 TIM barrel domain. There is a moderate physicochemical difference between histidine and tyrosine. GANAB, in which the variant was identified, is a gene significantly constrained for missense variation and where pathogenic missense variants are a common mechanism of disease (gnomAD v4.1, ClinVar). This variant is absent from the population database gnomAD v4.1. To our knowledge, this variant is novel and has not been previously reported in the relevant scientific literature or databases. Computational evidence predicts a deleterious effect for the missense substitution (REVEL = 0.95) and predicts no impact / has an uninformative predicted impact] on splicing (SpliceAI) for the nucleotide change. Based on the classification scheme RMH Modified ACMG/AMP Guidelines v1.7.1, this variant is classified as a VARIANT OF UNCERTAIN SIGNIFICANCE. Following criteria are met: PM2_Supporting, PP3_Strong.